The following is an entry in ClinVar:

NM_007294.4(BRCA1):c.442-680T>C

Gene: BRCA1 (BRCA1 DNA repair associated; minus strand). Cytogenetic location: 17q21.31.
Variant type: single nucleotide variant.
Coding change: c.442-680T>C on transcript NM_007294.4 (MANE Select); 680 bases into the intron before coding-DNA position 442, T replaced by C.
Molecular consequence: intron variant.
Genome position (GRCh38, 1-based): chr17:43,100,560, A>G on the plus strand (T>C on the coding strand, the complement: BRCA1 is on the minus strand). VCF-style: chr17-43100560-A-G. GRCh37 (hg19) VCF-style: chr17-41252577-A-G.
Other names: IVS 7-680T>C; c.232-683T>C (NM_001407571.1, NM_001407917.1, NM_001407956.1 and 18 more transcripts); c.232-680T>C (NM_001407950.1, NM_001407948.1, NM_001408484.1 and 37 more transcripts); c.442-683T>C (NM_001408450.1, NM_001408434.1, NM_001407672.1 and 65 more transcripts); c.442-680T>C (NM_001408440.1, NM_001408428.1, NM_001407678.1 and 96 more transcripts); c.301-683T>C (NM_001408462.1, NM_001407838.1, NM_001407741.1 and 35 more transcripts); c.364-680T>C (NM_001408414.1, NM_001408411.1, NM_001407655.1 and 12 more transcripts); c.301-680T>C (NM_001407724.1, NM_001407697.1, NM_001408410.1 and 61 more transcripts); and 6 more.
Identifiers: ClinVar variation 209467 (VCV000209467.3), dbSNP rs799924, ClinGen allele CA276437.
Genomic context (GRCh38, chr17:43,100,560, plus strand): 5'-CCTGGCTAATTTGTGTGTGTGTGTGTATATATATATACATATATATGTGTGTGTGTGTGT[A>G]TATATATATATAACATATATATAACATATATATATTATATATATATAACATATATATAAC-3'

ClinVar aggregate classification (germline): Benign. Review status: reviewed by expert panel (3 of 4 stars). 2 submissions from 2 submitters: Benign (1). 1 of the submissions does not count toward it. Last evaluated 2015-01-12.

Conditions:
Breast-ovarian cancer, familial, susceptibility to, 1 (BROVCA1). Also called: BRCA1 Hereditary Breast and Ovarian Cancer; OVARIAN CANCER, SUSCEPTIBILITY TO. Identifiers: Orphanet 145, MedGen C2676676, MONDO:0011450, OMIM 604370. Disease mechanism: loss of function.

Allele frequency attached by ClinVar (database versions not stated): 1000 Genomes Project 0.05411; gnomAD 0.12176 and 0.13674.
gnomAD v4.1: 1,933 of 16,018 alleles (12%); highest among the groups gnomAD compares: Non-Finnish European, 19%; 124 homozygotes.

Submissions (2):

Evidence-based Network for the Interpretation of Germline Mutant Alleles (ENIGMA)
Classification: Benign for Breast-ovarian cancer, familial 1. Last evaluated: 2015-01-12. Review status: reviewed by expert panel. Criteria: ENIGMA BRCA1/2 Classification Criteria (2015). Collection method: curation. Allele origin: germline.
Comment: Class 1 not pathogenic based on frequency >1% in an outbred sampleset. Frequency 0.01049 (Asian), 0.2602 (African), 0.02507 (European), derived from 1000 genomes (2012-04-30).

Breakthrough Genomics
Classification: Benign. Review status: criteria provided, single submitter. Criteria: ACMG Guidelines, 2015. Collection method: not provided. Allele origin: germline. Inheritance: Autosomal recessive inheritance. Affected: yes. Not counted in ClinVar's aggregate classification.